The following is an entry in ClinVar:

ClinVar aggregate classification (germline): Pathogenic (1 of 4 stars; one submission).

Conditions:
Hereditary breast ovarian cancer syndrome. Also called: Hereditary breast and ovarian cancer; Hereditary breast and ovarian cancer syndrome; Hereditary breast and ovarian cancer syndrome (HBOC); Breast and ovarian cancer; BRCA1- and BRCA2-Associated Hereditary Breast and Ovarian Cancer; Hereditary breast and/or ovarian cancer syndrome. Identifiers: Orphanet 145, MedGen C0677776, MeSH D061325, MONDO:0003582. Disease mechanism: loss of function.

Submissions (2):

Labcorp Genetics (formerly Invitae), Labcorp
Classification: Pathogenic for Hereditary breast ovarian cancer syndrome. Last evaluated: 2018-05-20. Review status: criteria provided, single submitter. Criteria: Invitae Variant Classification Sherloc (09022015). Collection method: clinical testing. Allele origin: germline.
Comment: This variant is not present in population databases (ExAC no frequency). This sequence change creates a premature translational stop signal (p.Arg1726*) in the BRCA1 gene. It is expected to result in an absent or disrupted protein product. For these reasons, this variant has been classified as Pathogenic. Loss-of-function variants in BRCA1 are known to be pathogenic (PMID: 20104584). This variant has not been reported in the literature in individuals with BRCA1-related disease.

Brotman Baty Institute, University of Washington
No classification provided (evidence only). Condition: Breast-ovarian cancer, familial 1. Review status: no classification provided. Collection method: in vitro. Allele origin: not applicable. Functional consequence: functionally_abnormal. Not counted in ClinVar's aggregate classification.
ClinVar note: "not provided" was previously submitted as the classification for the variant. However, the classification appeared to be based only on an observation of functional data so it was converted to no classification on 2025-07-30.

Literature cited by the submitters: PubMed 20104584 (cited by Labcorp Genetics (formerly Invitae), Labcorp).

NM_007294.4(BRCA1):c.5176A>T (p.Arg1726Ter)

Gene: BRCA1 (BRCA1 DNA repair associated; minus strand). Cytogenetic location: 17q21.31.
Variant type: single nucleotide variant.
Coding change: c.5176A>T on transcript NM_007294.4 (MANE Select); coding-DNA position 5176, A replaced by T.
Protein change: p.Arg1726Ter; replaces arginine 1726 with a stop codon.
Molecular consequence: nonsense. On other transcripts: non-coding transcript variant (1).
Genome position (GRCh38, 1-based): chr17:43,063,350, T>A on the plus strand (A>T on the coding strand, the complement: BRCA1 is on the minus strand). VCF-style: chr17-43063350-T-A. GRCh37 (hg19) VCF-style: chr17-41215367-T-A.
Other names: c.5098A>T, p.Arg1700Ter (NM_001407653.1, NM_001407654.1, NM_001407655.1 and 1 more transcripts); c.5095A>T, p.Arg1699Ter (NM_001407656.1, NM_001407657.1, NM_001407658.1); c.5053A>T, p.Arg1685Ter (NM_001407668.1, NM_001407669.1, NM_001407919.1 and 6 more transcripts); c.5050A>T, p.Arg1684Ter (NM_001407670.1, NM_001407671.1, NM_001407672.1 and 10 more transcripts); c.5047A>T, p.Arg1683Ter (NM_001407687.1, NM_001407688.1, NM_001407689.1 and 6 more transcripts); c.5044A>T, p.Arg1682Ter (NM_001407690.1, NM_001407691.1); c.5035A>T, p.Arg1679Ter (NM_001407692.1, NM_001407694.1, NM_001407695.1 and 13 more transcripts); c.5032A>T, p.Arg1678Ter (NM_001407732.1, NM_001407733.1, NM_001407734.1 and 21 more transcripts); and 72 more; short protein forms R1726*, R622*, R1679*, R1747*, R1429*, R1430*, R1557*, R1599*.
Identifiers: ClinVar variation 570048 (VCV000570048.10), dbSNP rs80357501, ClinGen allele CA10591192.